The following is an entry in ClinVar:

NM_001330723.2(SNX27):c.653G>A (p.Arg218Gln)

Gene: SNX27 (sorting nexin 27; plus strand). Cytogenetic location: 1q21.3.
Variant type: single nucleotide variant.
Coding change: c.653G>A on transcript NM_001330723.2 (MANE Select); coding-DNA position 653, G replaced by A.
Protein change: p.Arg218Gln; replaces arginine 218 with glutamine.
Molecular consequence: missense variant.
Genome position (GRCh38, 1-based): chr1:151,658,344, G>A. VCF-style: chr1-151658344-G-A. GRCh37 (hg19) VCF-style: chr1-151630820-G-A.
Other names: c.653G>A, p.Arg218Gln (NM_030918.6); short protein forms R218Q.
Identifiers: ClinVar variation 1401224 (VCV001401224.8), dbSNP rs2102676934, ClinGen allele CA341958800.

ClinVar aggregate classification (germline): Uncertain significance (1 of 4 stars; one submission).

Conditions:
Severe myoclonic epilepsy in infancy (DRVT). Also called: DEVELOPMENTAL AND EPILEPTIC ENCEPHALOPATHY 6A; Severe Myoclonic Epilepsy in Infancy (SMEI); Epileptic encephalopathy, early infantile, 6 (Dravet syndrome); SEVERE MYOCLONIC EPILEPSY OF INFANCY; Dravet syndrome. Identifiers: Orphanet 33069, MedGen C0751122, MONDO:0100135, OMIM 607208.

Allele frequency attached by ClinVar (database versions not stated): gnomAD exomes 0.00001.
gnomAD v4.1: 9 of 1,614,058 alleles (0.00056%); highest among the groups gnomAD compares: Non-Finnish European, 0.00076%; no homozygotes.

Submission:

Labcorp Genetics (formerly Invitae), Labcorp
Classification: Uncertain significance for Severe myoclonic epilepsy in infancy. Last evaluated: 2020-12-30. Review status: criteria provided, single submitter. Criteria: Invitae Variant Classification Sherloc (09022015). Collection method: clinical testing. Allele origin: germline.
Comment: This sequence change replaces arginine with glutamine at codon 218 of the SNX27 protein (p.Arg218Gln). The arginine residue is highly conserved and there is a small physicochemical difference between arginine and glutamine. This variant is not present in population databases (ExAC no frequency). This variant has not been reported in the literature in individuals with SNX27-related conditions. Algorithms developed to predict the effect of missense changes on protein structure and function are either unavailable or do not agree on the potential impact of this missense change (SIFT: "Deleterious"; PolyPhen-2: "Benign"; Align-GVGD: "Class C0"). In summary, the available evidence is currently insufficient to determine the role of this variant in disease. Therefore, it has been classified as a Variant of Uncertain Significance.